The following is an entry in ClinVar:

ClinVar aggregate classification (germline): Uncertain significance (1 of 4 stars; one submission).

Conditions:
ARMC5-related disorder. Also called: ARMC5-related condition.

gnomAD v4.1: 1 of 1,612,924 alleles (0.000062%); highest among the groups gnomAD compares: Admixed American, 0.0017%; no homozygotes.

Submission:

PreventionGenetics, part of Exact Sciences
Classification: Uncertain significance for ARMC5-related condition. Last evaluated: 2025-09-09. Review status: criteria provided, single submitter. Criteria: ACMG Guidelines, 2015. Collection method: clinical testing. Allele origin: germline.
Comment: The ARMC5 c.2576G>C variant is predicted to result in the amino acid substitution p.Arg859Pro. To our knowledge, this variant has not been reported in the literature. This variant is reported in 0.0029% of alleles in individuals of Latino descent in gnomAD. At this time, the clinical significance of this variant is uncertain due to the absence of conclusive functional and genetic evidence.

NM_001105247.2(ARMC5):c.2291G>C (p.Arg764Pro)

Gene: ARMC5 (armadillo repeat containing 5; plus strand). Cytogenetic location: 16p11.2.
Variant type: single nucleotide variant.
Coding change: c.2291G>C on transcript NM_001105247.2 (MANE Select); coding-DNA position 2291, G replaced by C.
Protein change: p.Arg764Pro; replaces arginine 764 with proline.
Molecular consequence: missense variant. On other transcripts: 3 prime UTR variant (1).
Genome position (GRCh38, 1-based): chr16:31,466,372, G>C. VCF-style: chr16-31466372-G-C. GRCh37 (hg19) VCF-style: chr16-31477693-G-C.
Other names: c.2576G>C, p.Arg859Pro (NM_001288767.2); c.2387G>C, p.Arg796Pro (NM_001301820.1); c.*1171G>C (NM_024742.2); short protein forms R859P, R796P, R764P.
Identifiers: ClinVar variation 4994607 (VCV004994607.1).
Genomic context (GRCh38, chr16:31,466,372, plus strand): 5'-CTGTCCCAGCTCCCGACCTGCACTTCCTGCTGGACTCAGGCCTCCAGCTCCCTGCCCAGC[G>C]AGCGGCCTCAGCCACCGCCTCCCCTTTCTTCCGGGCCCTGCTGTCAGGCAGCTTTGCAGA-3'
Protein context (NP_001098717.1, residues 754-774): LDSGLQLPAQ[Arg764Pro]AASATASPFF